The following is an entry in ClinVar:

NM_014762.4(DHCR24):c.1454T>C (p.Phe485Ser)

Gene: DHCR24 (24-dehydrocholesterol reductase; minus strand). Cytogenetic location: 1p32.3.
Variant type: single nucleotide variant.
Coding change: c.1454T>C on transcript NM_014762.4 (MANE Select); coding-DNA position 1454, T replaced by C.
Protein change: p.Phe485Ser; replaces phenylalanine 485 with serine.
Molecular consequence: missense variant.
Genome position (GRCh38, 1-based): chr1:54,852,330, A>G on the plus strand (T>C on the coding strand, the complement: DHCR24 is on the minus strand). VCF-style: chr1-54852330-A-G. GRCh37 (hg19) VCF-style: chr1-55318003-A-G.
Other names: short protein forms F485S.
Identifiers: ClinVar variation 1473451 (VCV001473451.6), dbSNP rs1557428253, ClinGen allele CA340469430.

ClinVar aggregate classification (germline): Uncertain significance (1 of 4 stars; one submission).

Allele frequency attached by ClinVar (database versions not stated): gnomAD exomes below 0.00001.
gnomAD v4.1: 4 of 1,614,208 alleles (0.00025%); highest among the groups gnomAD compares: East Asian, 0.0022%; no homozygotes.

Submission:

Labcorp Genetics (formerly Invitae), Labcorp
Classification: Uncertain significance. Last evaluated: 2021-07-30. Review status: criteria provided, single submitter. Criteria: Invitae Variant Classification Sherloc (09022015). Collection method: clinical testing. Allele origin: germline.
Comment: This sequence change replaces phenylalanine with serine at codon 485 of the DHCR24 protein (p.Phe485Ser). The phenylalanine residue is highly conserved and there is a large physicochemical difference between phenylalanine and serine. In summary, the available evidence is currently insufficient to determine the role of this variant in disease. Therefore, it has been classified as a Variant of Uncertain Significance. Algorithms developed to predict the effect of missense changes on protein structure and function (SIFT, PolyPhen-2, Align-GVGD) all suggest that this variant is likely to be disruptive. This variant has not been reported in the literature in individuals affected with DHCR24-related conditions. This variant is not present in population databases (ExAC no frequency).